The following is an entry in ClinVar:

NM_001122955.4(BSCL2):c.1097C>T (p.Thr366Ile)

Genes: BSCL2 (BSCL2 lipid droplet biogenesis associated, seipin; minus strand), HNRNPUL2-BSCL2 (HNRNPUL2-BSCL2 readthrough (NMD candidate); minus strand). Cytogenetic location: 11q12.3.
Variant type: single nucleotide variant.
Coding change: c.1097C>T on transcript NM_001122955.4 (MANE Select); coding-DNA position 1097, C replaced by T.
Protein change: p.Thr366Ile; replaces threonine 366 with isoleucine.
Molecular consequence: missense variant. On other transcripts: non-coding transcript variant (1).
Genome position (GRCh38, 1-based): chr11:62,690,843, G>A on the plus strand (C>T on the coding strand, the complement: BSCL2 is on the minus strand). VCF-style: chr11-62690843-G-A. GRCh37 (hg19) VCF-style: chr11-62458315-G-A.
Other names: c.763C>T, p.Leu255Phe (NM_001130702.2); c.1103C>T, p.Thr368Ile (NM_001386027.1); c.1097C>T, p.Thr366Ile (NM_001386028.1); c.905C>T, p.Thr302Ile (NM_032667.6); short protein forms L255F, T302I, T366I, T368I.
Identifiers: ClinVar variation 1765620 (VCV001765620.9), dbSNP rs1424325463, ClinGen allele CA380957148.
Genomic context (GRCh38, chr11:62,690,843, plus strand): 5'-ATACCTGTCCCTGAGGGATCTTCAGGGCTCTCACCATCCTCTGTAACATCTGATTGCGGA[G>A]TTGACTCCTCCTGGCCTTCAGGCCCTGCACCTCCAAAGAGGGAGAGGACAGGTTAGGGTT-3'
Protein context (NP_001116427.1, residues 356-376): QPGPEGQEES[Thr366Ile]PQSDVTEDGE

ClinVar aggregate classification (germline): Uncertain significance. Review status: criteria provided, multiple submitters, no conflicts (2 of 4 stars). 2 submissions from 2 submitters: Uncertain significance (2). Last evaluated 2025-11-01.

Conditions:
Inborn genetic diseases. Identifiers: MedGen C0950123, MeSH D030342.

Allele frequency attached by ClinVar (database versions not stated): gnomAD 0.00002; TOPMed 0.00002.
gnomAD v4.1: 6 of 1,613,572 alleles (0.00037%); highest among the groups gnomAD compares: Non-Finnish European, 0.00042%; no homozygotes.

Submissions (2):

CeGaT Center for Human Genetics Tuebingen
Classification: Uncertain significance. Last evaluated: 2025-11-01. Review status: criteria provided, single submitter. Criteria: CeGaT Center For Human Genetics Tuebingen Variant Classification Criteria Version 2. Collection method: clinical testing. Allele origin: germline. Affected: yes. Observed: 2 variant alleles.
Comment: BSCL2: PM2, BP4

Ambry Genetics
Classification: Uncertain significance for Inborn genetic diseases. Last evaluated: 2021-11-09. Review status: criteria provided, single submitter. Criteria: Ambry Variant Classification Scheme 2023. Collection method: clinical testing. Allele origin: germline.
Comment: The p.T302I variant (also known as c.905C>T), located in coding exon 8 of the BSCL2 gene, results from a C to T substitution at nucleotide position 905. The threonine at codon 302 is replaced by isoleucine, an amino acid with similar properties. This amino acid position is conserved. In addition, the in silico prediction for this alteration is inconclusive. Since supporting evidence is limited at this time, the clinical significance of this alteration remains unclear.